The following is an entry in ClinVar:

NM_004523.4(KIF11):c.2922G>A (p.Pro974=)

Gene: KIF11 (kinesin family member 11; plus strand). Cytogenetic location: 10q23.33.
Variant type: single nucleotide variant.
Coding change: c.2922G>A on transcript NM_004523.4 (MANE Select); coding-DNA position 2922, G replaced by A.
Protein change: p.Pro974=; no amino-acid change (proline 974 retained).
Molecular consequence: synonymous variant.
Genome position (GRCh38, 1-based): chr10:92,649,986, G>A. VCF-style: chr10-92649986-G-A. GRCh37 (hg19) VCF-style: chr10-94409743-G-A.
Identifiers: ClinVar variation 435616 (VCV000435616.50), dbSNP rs1554863201, ClinGen allele CA470943161.
Genomic context (GRCh38, chr10:92,649,986, plus strand): 5'-ACAGCCTGAGCTGTTAATGATGCTAAACTGTTCAGAAAACAACAAAGAAGAGACAATTCC[G>A]GTAAATTTAAAGGATCATATTTTATAATAGAACTCTTTTATGAACTCTTGATGTGGCTGA-3'
Protein context (NP_004514.2, residues 964-984): CSENNKEETI[Pro974=]DVDVEEAVLG

ClinVar aggregate classification (germline): Pathogenic. Review status: criteria provided, multiple submitters, no conflicts (2 of 4 stars). 6 submissions from 6 submitters: Pathogenic (4). 2 of the submissions do not count toward it. Last evaluated 2026-01-19.

Conditions:
Microcephaly with or without chorioretinopathy, lymphedema, or impaired intellectual development. Also called: MICROCEPHALY AND CHORIORETINOPATHY WITH OR WITHOUT MENTAL RETARDATION, AUTOSOMAL DOMINANT; Microcephaly with or without chorioretinopathy, lymphedema, or mental retardation; Microcephaly lymphedema chorioretinal dysplasia; Microcephaly with or without chorioretinopathy, lymphedema, or intellectual disability; MICROCEPHALY, LYMPHEDEMA, CHORIORETINAL DYSPLASIA SYNDROME. Identifiers: Orphanet 2526, MedGen C1835265, MONDO:0007918, OMIM 152950.

Submissions (7):

GeneDx
Classification: Pathogenic. Last evaluated: 2026-01-19. Review status: criteria provided, single submitter. Criteria: GeneDx Variant Classification Process June 2021. Collection method: clinical testing. Allele origin: germline.
Comment: Not observed at significant frequency in large population cohorts (gnomAD); In silico analysis is inconclusive as to whether the variant alters gene splicing. In the absence of RNA/functional studies, the actual effect of this sequence change is unknown.; This variant is associated with the following publications: (PMID: 35982159, 34671977, 33619735, 33057194, 32712949, Ogmenk2023[RNAstudies], 25934493, 35709690, 31130284, 33502061, 39433808, 39404449)

Labcorp Genetics (formerly Invitae), Labcorp
Classification: Pathogenic. Last evaluated: 2022-09-28. Review status: criteria provided, single submitter. Criteria: Invitae Variant Classification Sherloc (09022015). Collection method: clinical testing. Allele origin: germline.
Comment: This variant is not present in population databases (gnomAD no frequency). This sequence change affects codon 974 of the KIF11 mRNA. It is a 'silent' change, meaning that it does not change the encoded amino acid sequence of the KIF11 protein. This variant also falls at the last nucleotide of exon 20, which is part of the consensus splice site for this exon. ClinVar contains an entry for this variant (Variation ID: 435616). For these reasons, this variant has been classified as Pathogenic. Variants that disrupt the consensus splice site are a relatively common cause of aberrant splicing (PMID: 17576681, 9536098). Algorithms developed to predict the effect of sequence changes on RNA splicing suggest that this variant may disrupt the consensus splice site. This variant has been observed in individual(s) with KIF11-related conditions (PMID: 25934493, 31130284, 33619735). In at least one individual the variant was observed to be de novo.

CeGaT Center for Human Genetics Tuebingen
Classification: Pathogenic. Last evaluated: 2021-09-01. Review status: criteria provided, single submitter. Criteria: CeGaT Center For Human Genetics Tuebingen Variant Classification Criteria Version 2. Collection method: clinical testing. Allele origin: germline. Affected: yes. Observed: 1 variant allele.

Institute of Human Genetics Munich, TUM University Hospital
Classification: Pathogenic for Microcephaly with or without chorioretinopathy, lymphedema, or impaired intellectual development. Last evaluated: 2017-10-26. Review status: criteria provided, single submitter. Criteria: Classification criteria August 2017. Collection method: clinical testing. Allele origin: de novo. Inheritance: Autosomal dominant inheritance. Affected: yes. Observed: 1 heterozygote.

Dr. Peter K. Rogan Lab, Western University
No classification provided (evidence only). Condition: Malignant tumor of urinary bladder. Review status: no classification provided. Collection method: in vitro. Allele origin: not applicable. Functional consequence: retained intron. Not counted in ClinVar's aggregate classification.

Service de Génétique Moléculaire, Hôpital Robert Debré
Classification: Pathogenic for Microcephaly with or without chorioretinopathy, lymphedema, or impaired intellectual development. Review status: no assertion criteria provided. Collection method: clinical testing. Allele origin: unknown. Affected: yes. Not counted in ClinVar's aggregate classification.

Genetic Services Laboratory, University of Chicago
Classification: Uncertain significance. Last evaluated: 2017-02-08. Review status: flagged submission. Criteria: ACMG Guidelines, 2015. Collection method: clinical testing. Allele origin: germline. Affected: no. Not counted in ClinVar's aggregate classification.
ClinVar note: Reason: Older and outlier claim with insufficient supporting evidence

Literature cited by the submitters: PubMed 17576681 (cited by Labcorp Genetics (formerly Invitae), Labcorp); PubMed 9536098 (cited by Labcorp Genetics (formerly Invitae), Labcorp); PubMed 25934493 (cited by Labcorp Genetics (formerly Invitae), Labcorp); PubMed 31130284 (cited by Labcorp Genetics (formerly Invitae), Labcorp); PubMed 33619735 (cited by Labcorp Genetics (formerly Invitae), Labcorp).